The following is an entry in ClinVar:

NM_002087.4(GRN):c.1575C>T (p.His525=)

Gene: GRN (granulin precursor; plus strand). Cytogenetic location: 17q21.31.
Variant type: single nucleotide variant.
Coding change: c.1575C>T on transcript NM_002087.4 (MANE Select); coding-DNA position 1575, C replaced by T.
Protein change: p.His525=; no amino-acid change (histidine 525 retained).
Molecular consequence: synonymous variant.
Genome position (GRCh38, 1-based): chr17:44,352,502, C>T. VCF-style: chr17-44352502-C-T. GRCh37 (hg19) VCF-style: chr17-42429870-C-T.
Other names: p.His525=; c.1575C>T (NM_002087.3).
Identifiers: ClinVar variation 2048452 (VCV002048452.5), dbSNP rs768090707, ClinGen allele CA8602239.
Genomic context (GRCh38, chr17:44,352,502, plus strand): 5'-CACCTTCCTGGCCCGTAGCCCTCACGTGGGTGTGAAGGACGTGGAGTGTGGGGAAGGACA[C>T]TTCTGCCATGATAACCAGACCTGCTGCCGAGACAACCGACAGGGCTGGGCCTGCTGTCCC-3'
Protein context (NP_002078.1, residues 515-535): GVKDVECGEG[His525=]FCHDNQTCCR

ClinVar aggregate classification (germline): Likely benign. Review status: criteria provided, multiple submitters, no conflicts (2 of 4 stars). 2 submissions from 2 submitters: Likely benign (2). Last evaluated 2025-09-08.

Conditions:
Neuronal ceroid lipofuscinosis 11. Also called: GRN-Related Neuronal Ceroid-Lipofuscinosis. Identifiers: Orphanet 314629, Orphanet 79262, MedGen C3539123, MONDO:0013866, OMIM 614706.
GRN-related frontotemporal lobar degeneration with Tdp43 inclusions (FTD2). Also called: DEMENTIA, HEREDITARY DYSPHASIC DISINHIBITION; FRONTOTEMPORAL LOBAR DEGENERATION WITH UBIQUITIN-POSITIVE INCLUSIONS; FTLD-TDP, GRN-RELATED; GRN Frontotemporal Dementia; FRONTOTEMPORAL DEMENTIA WITH TDP43 INCLUSIONS, GRN-RELATED. Identifiers: Orphanet 100070, Orphanet 282, MedGen C1843792, MONDO:0011842, OMIM 607485. Disease mechanism: loss of function.

Allele frequency attached by ClinVar (database versions not stated): TOPMed below 0.00001; gnomAD exomes 0.00001; ExAC 0.00003.
gnomAD v4.1: 23 of 1,614,078 alleles (0.0014%); highest among the groups gnomAD compares: East Asian, 0.047%; no homozygotes.

Submissions (2):

Mayo Clinic Laboratories, Mayo Clinic
Classification: Likely benign. Last evaluated: 2025-09-08. Review status: criteria provided, single submitter. Criteria: ACMG Guidelines, 2015. Collection method: clinical testing. Allele origin: germline. Observed: 1 variant allele.
Comment: BP4, BP7

Labcorp Genetics (formerly Invitae), Labcorp
Classification: Likely benign for Neuronal ceroid lipofuscinosis 11; GRN-related frontotemporal lobar degeneration with Tdp43 inclusions. Last evaluated: 2025-08-12. Review status: criteria provided, single submitter. Criteria: Invitae Variant Classification Sherloc (09022015). Collection method: clinical testing. Allele origin: germline.